The following is an entry in ClinVar:

NM_174936.4(PCSK9):c.1171C>A (p.His391Asn)

Gene: PCSK9 (proprotein convertase subtilisin/kexin type 9; plus strand). Cytogenetic location: 1p32.3.
Variant type: single nucleotide variant.
Coding change: c.1171C>A on transcript NM_174936.4 (MANE Select); coding-DNA position 1171, C replaced by A.
Protein change: p.His391Asn; replaces histidine 391 with asparagine.
Molecular consequence: missense variant.
Genome position (GRCh38, 1-based): chr1:55,057,505, C>A. VCF-style: chr1-55057505-C-A. GRCh37 (hg19) VCF-style: chr1-55523178-C-A.
Other names: p.His391Asn; c.1294C>A, p.His432Asn (NM_001407240.1); c.1171C>A, p.His391Asn (NM_001407241.1, NM_001407244.1, NM_001407247.1); c.1174C>A, p.His392Asn (NM_001407242.1); c.1114C>A, p.His372Asn (NM_001407243.1); c.979C>A, p.His327Asn (NM_001407245.1); c.796C>A, p.His266Asn (NM_001407246.1); short protein forms H391N, H432N, H372N, H266N, H327N, H392N.
Identifiers: ClinVar variation 496557 (VCV000496557.21), dbSNP rs146471967, ClinGen allele CA035384.
Genomic context (GRCh38, chr1:55,057,505, plus strand): 5'-GCCTCCAGCGACTGCAGCACCTGCTTTGTGTCACAGAGTGGGACATCACAGGCTGCTGCC[C>A]ACGTGGCTGGTAAGTCACCACCCCACTGCCTCGGCCACCGTGATGCTAACAGCCCCTTTG-3'
Protein context (NP_777596.2, residues 381-401): SQSGTSQAAA[His391Asn]VAGIAAMMLS

ClinVar aggregate classification (germline): Conflicting classifications of pathogenicity. Review status: criteria provided, conflicting classifications (1 of 4 stars). 6 submissions from 6 submitters: Uncertain significance (2); Benign (2); Likely benign (2). Last evaluated 2026-03-04.

Conditions:
Cardiovascular phenotype. Identifiers: MedGen CN230736.
Familial hypercholesterolemia. Also called: Familial hypercholesterolaemia; Familial hypercholesterolemias. Identifiers: MedGen C0020445, MONDO:0005439.
Hypercholesterolemia, autosomal dominant, 3 (FHCL3). Also called: Familial Hypercholesterolemia, Autosomal Dominant, 3; PCSK9-Related Familial Hypercholesterolemia, Autosomal Dominant; Familial hypercholesterolemia 3. Identifiers: MedGen C1863551, MONDO:0011369, OMIM 603776.

Allele frequency attached by ClinVar (database versions not stated): gnomAD 0.00086 and 0.00075; TOPMed 0.00088; ESP Exome Variant Server 0.00100; gnomAD exomes 0.00007 and 0.00016; 1000 Genomes Project 30x 0.00016; 1000 Genomes Project 0.00020; ExAC 0.00026.
gnomAD v4.1: 211 of 1,611,392 alleles (0.013%); highest among the groups gnomAD compares: African/African-American, 0.27%; 1 homozygote.

Submissions (6):

Ambry Genetics
Classification: Benign for Cardiovascular phenotype. Last evaluated: 2026-03-04. Review status: criteria provided, single submitter. Criteria: Ambry Variant Classification Scheme 2023. Collection method: clinical testing. Allele origin: germline.

Labcorp Genetics (formerly Invitae), Labcorp
Classification: Likely benign for Hypercholesterolemia, autosomal dominant, 3. Last evaluated: 2026-01-07. Review status: criteria provided, single submitter. Criteria: Invitae Variant Classification Sherloc (09022015). Collection method: clinical testing. Allele origin: germline.

Mayo Clinic Laboratories, Mayo Clinic
Classification: Uncertain significance. Last evaluated: 2025-02-20. Review status: criteria provided, single submitter. Criteria: ACMG Guidelines, 2015. Collection method: clinical testing. Allele origin: germline. Observed: 1 variant allele.
Comment: BS1

Women's Health and Genetics/Laboratory Corporation of America, LabCorp
Classification: Likely benign. Last evaluated: 2024-08-06. Review status: criteria provided, single submitter. Criteria: LabCorp Variant Classification Summary - May 2015. Collection method: clinical testing. Allele origin: germline.
Comment: Variant summary: PCSK9 c.1171C>A (p.His391Asn) results in a conservative amino acid change in the encoded protein sequence. Three of five in-silico tools predict a damaging effect of the variant on protein function. The variant allele was found at a frequency of 0.00016 in 245980 control chromosomes. The observed variant frequency is approximately 4 fold of the estimated maximal expected allele frequency for a pathogenic variant in PCSK9 causing Familial Hypercholesterolemia phenotype (3.8e-05). c.1171C>A has been reported in patients with hypocholesterolemia, mainly of African origin (Kotowski_2006, Lange_2014), as well as in individuals with apparently normal blood pressure (Tran_2015). These report(s) do not provide unequivocal conclusions about association of the variant with Familial Hypercholesterolemia. To our knowledge, no experimental evidence demonstrating an impact on protein function has been reported. The following publications have been ascertained in the context of this evaluation (PMID: 19191301, 17971861, 24278757, 16465619, 24507775, 25904937). ClinVar contains an entry for this variant (Variation ID: 496557). Based on the evidence outlined above, the variant was classified as likely benign.

Color Diagnostics, LLC DBA Color Health
Classification: Benign for Familial hypercholesterolemia. Last evaluated: 2022-01-01. Review status: criteria provided, single submitter. Criteria: ACMG Guidelines, 2015. Collection method: clinical testing. Allele origin: germline.

New York Genome Center
Classification: Uncertain significance for Hypercholesterolemia, autosomal dominant, 3. Last evaluated: 2021-07-13. Review status: criteria provided, single submitter. Criteria: NYGC Assertion Criteria 2020. Collection method: clinical testing. Allele origin: germline. Observed: 1 heterozygote.

Literature cited by the submitters: PubMed 16465619 (cited by 3 submitters); PubMed 24507775 (cited by 3 submitters); PubMed 26195630 (cited by Ambry Genetics); PubMed 29259136 (cited by Ambry Genetics); PubMed 24278757 (cited by Mayo Clinic Laboratories, Mayo Clinic and Women's Health and Genetics/Laboratory Corporation of America, LabCorp); PubMed 25904937 (cited by Mayo Clinic Laboratories, Mayo Clinic and Women's Health and Genetics/Laboratory Corporation of America, LabCorp); PubMed 19191301 (cited by Women's Health and Genetics/Laboratory Corporation of America, LabCorp); PubMed 17971861 (cited by Women's Health and Genetics/Laboratory Corporation of America, LabCorp).